The following is an entry in ClinVar:

NM_031308.4(EPPK1):c.3699C>T (p.Ala1233=)

Gene: EPPK1 (epiplakin 1; minus strand). Cytogenetic location: 8q24.3.
Variant type: single nucleotide variant.
Coding change: c.3699C>T on transcript NM_031308.4 (MANE Select); coding-DNA position 3699, C replaced by T.
Protein change: p.Ala1233=; no amino-acid change (alanine 1233 retained).
Molecular consequence: synonymous variant.
Genome position (GRCh38, 1-based): chr8:143,869,555, G>A on the plus strand (C>T on the coding strand, the complement: EPPK1 is on the minus strand). VCF-style: chr8-143869555-G-A. GRCh37 (hg19) VCF-style: chr8-144943723-G-A.
Identifiers: ClinVar variation 3037102 (VCV003037102.2), dbSNP rs781943003, ClinGen allele CA4922711.

ClinVar aggregate classification (germline): Likely benign (0 of 4 stars; one submission).

Conditions:
EPPK1-related disorder. Also called: EPPK1-related condition.

Allele frequency attached by ClinVar (database versions not stated): gnomAD exomes 0.00002; gnomAD 0.00004; ExAC 0.00006; TOPMed 0.00008.
gnomAD v4.1: 36 of 1,557,128 alleles (0.0023%); highest among the groups gnomAD compares: African/African-American, 0.014%; 1 homozygote.

Submission:

PreventionGenetics, part of Exact Sciences
Classification: Likely benign for EPPK1-related condition. Last evaluated: 2022-09-27. Review status: no assertion criteria provided. Collection method: clinical testing. Allele origin: germline.
Comment: This variant is classified as likely benign based on ACMG/AMP sequence variant interpretation guidelines (Richards et al. 2015 PMID: 25741868, with internal and published modifications).